The following is an entry in ClinVar:

NM_145020.5(CFAP53):c.1183T>G (p.Cys395Gly)

Gene: CFAP53 (cilia and flagella associated protein 53; minus strand). Cytogenetic location: 18q21.1.
Variant type: single nucleotide variant.
Coding change: c.1183T>G on transcript NM_145020.5 (MANE Select); coding-DNA position 1183, T replaced by G.
Protein change: p.Cys395Gly; replaces cysteine 395 with glycine.
Molecular consequence: missense variant.
Genome position (GRCh38, 1-based): chr18:50,242,930, A>C on the plus strand (T>G on the coding strand, the complement: CFAP53 is on the minus strand). VCF-style: chr18-50242930-A-C. GRCh37 (hg19) VCF-style: chr18-47769300-A-C.
Other names: short protein forms C395G.
Identifiers: ClinVar variation 964003 (VCV000964003.9), dbSNP rs771723710, ClinGen allele CA8962185.
Genomic context (GRCh38, chr18:50,242,930, plus strand): 5'-CTATAATATAACTGTAATTCAGTTCCTTACACTTTTCTTGAACTTGAAGTTTTCTTGTAC[A>C]CATGACCTCATCCACAAGCTGTCTCCTTGCCTCCTTTTCAAGTCTCAGCTCCTTGTCCTT-3'
Protein context (NP_659457.2, residues 385-405): ARRQLVDEVM[Cys395Gly]TRKLQVQEKL

ClinVar aggregate classification (germline): Uncertain significance. Review status: criteria provided, multiple submitters, no conflicts (2 of 4 stars). 2 submissions from 2 submitters: Uncertain significance (2). Last evaluated 2025-01-19.

Conditions:
Inborn genetic diseases. Identifiers: MedGen C0950123, MeSH D030342.
Heterotaxy, visceral, 6, autosomal (HTX6). Also called: Heterotaxy, visceral, 6, autosomal recessive. Identifiers: Orphanet 450, MedGen C3553676, MONDO:0013887, OMIM 614779.

Allele frequency attached by ClinVar (database versions not stated): gnomAD below 0.00001 and 0.00001; TOPMed below 0.00001; gnomAD exomes 0.00005 and 0.00002; ExAC 0.00006.
gnomAD v4.1: 29 of 1,613,686 alleles (0.0018%); highest among the groups gnomAD compares: South Asian, 0.031%; no homozygotes.

Submissions (2):

Ambry Genetics
Classification: Uncertain significance for Inborn genetic diseases. Last evaluated: 2025-01-19. Review status: criteria provided, single submitter. Criteria: Ambry Variant Classification Scheme 2023. Collection method: clinical testing. Allele origin: germline.

Labcorp Genetics (formerly Invitae), Labcorp
Classification: Uncertain significance for Heterotaxy, visceral, 6, autosomal. Last evaluated: 2019-09-24. Review status: criteria provided, single submitter. Criteria: Invitae Variant Classification Sherloc (09022015). Collection method: clinical testing. Allele origin: germline.
Comment: In summary, the available evidence is currently insufficient to determine the role of this variant in disease. Therefore, it has been classified as a Variant of Uncertain Significance. Algorithms developed to predict the effect of missense changes on protein structure and function (SIFT, PolyPhen-2, Align-GVGD) all suggest that this variant is likely to be tolerated, but these predictions have not been confirmed by published functional studies and their clinical significance is uncertain. This variant has not been reported in the literature in individuals with CFAP53-related conditions. This variant is present in population databases (rs771723710, ExAC 0.04%). This sequence change replaces cysteine with glycine at codon 395 of the CFAP53 protein (p.Cys395Gly). The cysteine residue is moderately conserved and there is a large physicochemical difference between cysteine and glycine.